The following is an entry in ClinVar:

ClinVar aggregate classification (germline): Benign/Likely benign. Review status: criteria provided, multiple submitters, no conflicts (2 of 4 stars). 14 submissions from 14 submitters: Benign (3); Likely benign (9). 2 of the submissions do not count toward it. Last evaluated 2026-08-01.

Conditions:
Fanconi anemia (FA). Also called: Fanconi's anemia. Identifiers: Orphanet 84, MedGen C0015625, MeSH D005199, MONDO:0019391.
Fanconi anemia complementation group I (FANCI). Also called: FANCI-Related Fanconi Anemia. Identifiers: Orphanet 84, MedGen C1836861, MONDO:0012186, OMIM 609053.

Allele frequency attached by ClinVar (database versions not stated): 1000 Genomes Project 30x 0.00172; 1000 Genomes Project 0.00180; TOPMed 0.00234; ESP Exome Variant Server 0.00246; gnomAD 0.00248 and 0.00266; ExAC 0.00295; gnomAD exomes 0.00297.
gnomAD v4.1: 5,239 of 1,610,410 alleles (0.33%); highest among the groups gnomAD compares: South Asian, 0.7%; 25 homozygotes.

Submissions (14):

CeGaT Center for Human Genetics Tuebingen
Classification: Likely benign. Last evaluated: 2026-08-01. Review status: criteria provided, single submitter. Criteria: CeGaT Center For Human Genetics Tuebingen Variant Classification Criteria Version 2. Collection method: clinical testing. Allele origin: germline. Affected: yes. Observed: 47 variant alleles.
Comment: FANCI: BP4, BP7, BS2

Labcorp Genetics (formerly Invitae), Labcorp
Classification: Benign for Fanconi anemia. Last evaluated: 2026-02-02. Review status: criteria provided, single submitter. Criteria: Invitae Variant Classification Sherloc (09022015). Collection method: clinical testing. Allele origin: germline.

Mayo Clinic Laboratories, Mayo Clinic
Classification: Likely benign. Last evaluated: 2025-08-11. Review status: criteria provided, single submitter. Criteria: ACMG Guidelines, 2015. Collection method: clinical testing. Allele origin: germline. Observed: 1 variant allele.
Comment: BS1, BP4, BP7

Blueprint Genetics
Classification: Likely benign. Last evaluated: 2024-11-27. Review status: criteria provided, single submitter. Criteria: ACMG Guidelines, 2015. Collection method: clinical testing. Allele origin: germline.

Women's Health and Genetics/Laboratory Corporation of America, LabCorp
Classification: Benign. Last evaluated: 2021-12-10. Review status: criteria provided, single submitter. Criteria: LabCorp Variant Classification Summary - May 2015. Collection method: clinical testing. Allele origin: germline.

Fulgent Genetics
Classification: Benign for Fanconi anemia complementation group I. Last evaluated: 2021-08-18. Review status: criteria provided, single submitter. Criteria: ACMG Guidelines, 2015. Collection method: clinical testing. Allele origin: unknown.

GeneDx
Classification: Likely benign. Last evaluated: 2021-06-14. Review status: criteria provided, single submitter. Criteria: GeneDx Variant Classification Process June 2021. Collection method: clinical testing. Allele origin: germline. Affected: yes.

Sema4
Classification: Likely benign for Fanconi anemia. Last evaluated: 2020-11-19. Review status: criteria provided, single submitter. Criteria: Sema4 Curation Guidelines. Collection method: curation. Allele origin: germline.

Illumina Laboratory Services, Illumina
Classification: Likely benign for Fanconi anemia complementation group I. Last evaluated: 2018-01-12. Review status: criteria provided, single submitter. Criteria: ICSL Variant Classification Criteria 13 December 2019. Collection method: clinical testing. Allele origin: germline.
Comment: This variant was observed in the ICSL laboratory as part of a predisposition screen in an ostensibly healthy population. It had not been previously curated by ICSL or reported in the Human Gene Mutation Database (HGMD: prior to June 1st, 2018), and was therefore a candidate for classification through an automated scoring system. Utilizing variant allele frequency, disease prevalence and penetrance estimates, and inheritance mode, an automated score was calculated to assess if this variant is too frequent to cause the disease. Based on the score and internal cut-off values, a variant classified as likely benign is not then subjected to further curation. The score for this variant resulted in a classification of likely benign for this disease.

Genetic Services Laboratory, University of Chicago
Classification: Likely benign. Last evaluated: 2016-10-25. Review status: criteria provided, single submitter. Criteria: ACMG Guidelines, 2015. Collection method: clinical testing. Allele origin: germline. Affected: no.

Breakthrough Genomics
Classification: Likely benign. Review status: criteria provided, single submitter. Criteria: ACMG Guidelines, 2015. Collection method: not provided. Allele origin: germline. Inheritance: Autosomal recessive inheritance. Affected: yes.

PreventionGenetics, part of Exact Sciences
Classification: Likely benign. Review status: criteria provided, single submitter. Criteria: ACMG Guidelines, 2015. Collection method: clinical testing. Allele origin: germline.

Clinical Genetics DNA and cytogenetics Diagnostics Lab, Erasmus MC, Erasmus Medical Center
Classification: Likely benign. Review status: no assertion criteria provided. Collection method: clinical testing. Allele origin: germline. Affected: yes. Study: VKGL Data-share Consensus. Not counted in ClinVar's aggregate classification.

Genome Diagnostics Laboratory, Amsterdam University Medical Center
Classification: Likely benign. Review status: no assertion criteria provided. Collection method: clinical testing. Allele origin: germline. Affected: yes. Study: VKGL Data-share Consensus. Not counted in ClinVar's aggregate classification.

NM_001113378.2(FANCI):c.2997C>T (p.Ser999=)

Gene: FANCI (FA complementation group I; plus strand). Cytogenetic location: 15q26.1.
Variant type: single nucleotide variant.
Coding change: c.2997C>T on transcript NM_001113378.2 (MANE Select); coding-DNA position 2997, C replaced by T.
Protein change: p.Ser999=; no amino-acid change (serine 999 retained).
Molecular consequence: synonymous variant.
Genome position (GRCh38, 1-based): chr15:89,301,433, C>T. VCF-style: chr15-89301433-C-T. GRCh37 (hg19) VCF-style: chr15-89844664-C-T.
Other names: p.Ser999=; c.2718C>T, p.Ser906= (NM_001376910.1); c.2997C>T, p.Ser999= (NM_001376911.1); c.2817C>T, p.Ser939= (NM_018193.3).
Identifiers: ClinVar variation 238320 (VCV000238320.62), dbSNP rs138675752, ClinGen allele CA7723535.